The following is an entry in ClinVar:

NM_024570.4(RNASEH2B):c.268C>T (p.Pro90Ser)

Gene: RNASEH2B (ribonuclease H2 subunit B; plus strand). Cytogenetic location: 13q14.3.
Variant type: single nucleotide variant.
Coding change: c.268C>T on transcript NM_024570.4 (MANE Select); coding-DNA position 268, C replaced by T.
Protein change: p.Pro90Ser; replaces proline 90 with serine.
Molecular consequence: missense variant.
Genome position (GRCh38, 1-based): chr13:50,930,706, C>T. VCF-style: chr13-50930706-C-T. GRCh37 (hg19) VCF-style: chr13-51504842-C-T.
Other names: c.268C>T, p.Pro90Ser (NM_001142279.2, NM_001411023.1); short protein forms P90S.
Identifiers: ClinVar variation 3697776 (VCV003697776.2).

ClinVar aggregate classification (germline): Uncertain significance (1 of 4 stars; one submission).

Conditions:
Aicardi-Goutieres syndrome 2. Identifiers: Orphanet 51, MedGen C3489724, MONDO:0012429, OMIM 610181.

gnomAD v4.1: 3 of 1,613,790 alleles (0.00019%); highest among the groups gnomAD compares: Admixed American, 0.005%; no homozygotes.

Submission:

Labcorp Genetics (formerly Invitae), Labcorp
Classification: Uncertain significance for Aicardi-Goutieres syndrome 2. Last evaluated: 2024-11-05. Review status: criteria provided, single submitter. Criteria: Invitae Variant Classification Sherloc (09022015). Collection method: clinical testing. Allele origin: germline.
Comment: This sequence change replaces proline, which is neutral and non-polar, with serine, which is neutral and polar, at codon 90 of the RNASEH2B protein (p.Pro90Ser). This variant is present in population databases (rs746338829, gnomAD 0.009%). This variant has not been reported in the literature in individuals affected with RNASEH2B-related conditions. Invitae Evidence Modeling of protein sequence and biophysical properties (such as structural, functional, and spatial information, amino acid conservation, physicochemical variation, residue mobility, and thermodynamic stability) has been performed for this missense variant. However, the output from this modeling did not meet the statistical confidence thresholds required to predict the impact of this variant on RNASEH2B protein function. In summary, the available evidence is currently insufficient to determine the role of this variant in disease. Therefore, it has been classified as a Variant of Uncertain Significance.